The following is an entry in ClinVar:

NM_001388492.1(HTT):c.8650C>T (p.Arg2884Cys)

Gene: HTT (huntingtin; plus strand). Cytogenetic location: 4p16.3.
Variant type: single nucleotide variant.
Coding change: c.8650C>T on transcript NM_001388492.1 (MANE Select); coding-DNA position 8650, C replaced by T.
Protein change: p.Arg2884Cys; replaces arginine 2884 with cysteine.
Molecular consequence: missense variant.
Genome position (GRCh38, 1-based): chr4:3,235,643, C>T. VCF-style: chr4-3235643-C-T. GRCh37 (hg19) VCF-style: chr4-3237370-C-T.
Other names: c.8656C>T, p.Arg2886Cys (NM_002111.8); short protein forms R2884C, R2886C.
Identifiers: ClinVar variation 3355007 (VCV003355007.1).

ClinVar aggregate classification (germline): Benign (0 of 4 stars; one submission).

Conditions:
HTT-related disorder. Also called: HTT-related condition.

Submission:

PreventionGenetics, part of Exact Sciences
Classification: Benign for HTT-related condition. Last evaluated: 2024-04-09. Review status: no assertion criteria provided. Collection method: clinical testing. Allele origin: germline.
Comment: This variant is classified as benign based on ACMG/AMP sequence variant interpretation guidelines (Richards et al. 2015 PMID: 25741868, with internal and published modifications).